The following is an entry in ClinVar:

NM_001267550.2(TTN):c.42208C>T (p.Gln14070Ter)

Gene: TTN (titin; minus strand). Cytogenetic location: 2q31.2.
Variant type: single nucleotide variant.
Coding change: c.42208C>T on transcript NM_001267550.2 (MANE Select); coding-DNA position 42208, C replaced by T.
Protein change: p.Gln14070Ter; replaces glutamine 14070 with a stop codon.
Molecular consequence: nonsense.
Genome position (GRCh38, 1-based): chr2:178,634,573, G>A on the plus strand (C>T on the coding strand, the complement: TTN is on the minus strand). VCF-style: chr2-178634573-G-A. GRCh37 (hg19) VCF-style: chr2-179499300-G-A.
Other names: c.37285C>T, p.Gln12429Ter (NM_001256850.1); c.15013C>T, p.Gln5005Ter (NM_003319.4); c.34504C>T, p.Gln11502Ter (NM_133378.4); c.15388C>T, p.Gln5130Ter (NM_133432.3); c.15589C>T, p.Gln5197Ter (NM_133437.4); short protein forms Q11502*, Q12429*, Q5005*, Q14070*, Q5130*, Q5197*.
Identifiers: ClinVar variation 1465219 (VCV001465219.7), dbSNP rs2154227697, ClinGen allele CA349655497.
Genomic context (GRCh38, chr2:178,634,573, plus strand): 5'-CAGGTCCTTTGGACCATATAACATTTGCCTCTCGGGTGAGGACACATTCGAATCGAGCCT[G>A]TCGCCTTTCTGGAACAGTGACATCCTTCAGGGGCACAGCAAAGTCAAGTTCGATTTCTGA-3'

ClinVar aggregate classification (germline): Likely pathogenic. Review status: criteria provided, multiple submitters, no conflicts (2 of 4 stars). 2 submissions from 2 submitters: Likely pathogenic (2). Last evaluated 2025-07-03.

Conditions:
Cardiovascular phenotype. Identifiers: MedGen CN230736.
Dilated cardiomyopathy 1G (CMD1G). Identifiers: Orphanet 154, MedGen C1858763, MONDO:0011400, OMIM 604145.
Autosomal recessive limb-girdle muscular dystrophy type 2J (LGMDR10). Also called: Limb-girdle muscular dystrophy, type 2J; MUSCULAR DYSTROPHY, LIMB-GIRDLE, AUTOSOMAL RECESSIVE 10. Identifiers: Orphanet 140922, MedGen C1837342, MONDO:0012127, OMIM 608807.

Submissions (2):

Ambry Genetics
Classification: Likely pathogenic for Cardiovascular phenotype. Last evaluated: 2025-07-03. Review status: criteria provided, single submitter. Criteria: Ambry Variant Classification Scheme 2023. Collection method: clinical testing. Allele origin: germline.
Comment: The p.Q5005* variant (also known as c.15013C>T), located in coding exon 57 of the TTN gene, results from a C to T substitution at nucleotide position 15013. This changes the amino acid from a glutamine to a stop codon within coding exon 57. This exon is located in the I-band region of the N2-B isoform of the titin protein and is constitutively expressed in TTN transcripts (percent spliced in or PSI 100%). This variant is considered to be rare based on population cohorts in the Genome Aggregation Database (gnomAD). This variant is expected to result in loss of function by premature protein truncation or nonsense-mediated mRNA decay. While truncating variants in TTN are present in 1-3% of the general population, truncating variants in the A-band are the most common cause of dilated cardiomyopathy (Herman DS et al. N. Engl. J. Med., 2012 Feb;366:619-28; Roberts AM et al. Sci Transl Med, 2015 Jan;7:270ra6). TTN truncating variants encoded in constitutive exons (PSI >90%) have been found to be significantly associated with DCM regardless of their position in titin (Schafer S et al. Nat. Genet., 2017 01;49:46-53; Akhtar MM et al. Circ Heart Fail, 2020 Oct;13:e006832; Massier M et al. Clin Genet, 2025 Jan). Based on the majority of available evidence to date, this variant is likely to be pathogenic.

Labcorp Genetics (formerly Invitae), Labcorp
Classification: Likely pathogenic for Dilated cardiomyopathy 1G; Autosomal recessive limb-girdle muscular dystrophy type 2J. Last evaluated: 2024-07-12. Review status: criteria provided, single submitter. Criteria: Invitae Variant Classification Sherloc (09022015). Collection method: clinical testing. Allele origin: germline.
Comment: This sequence change creates a premature translational stop signal (p.Gln14070*) in the TTN gene. While this is not anticipated to result in nonsense mediated decay, it is expected to create a truncated TTN protein. This variant is not present in population databases (gnomAD no frequency). This variant has not been reported in the literature in individuals affected with TTN-related conditions. ClinVar contains an entry for this variant (Variation ID: 1465219). This variant is located in the I band of TTN (PMID: 25589632). Truncating variants in this region have been reported in individuals affected with autosomal recessive centronuclear myopathy (PMID: 23975875, Invitae internal data). Truncating variants in this region have also been identified in individuals affected with autosomal dominant dilated cardiomyopathy and/or cardio-related conditions (PMID: 27869827, 32964742, Invitae internal data). In summary, the currently available evidence indicates that the variant is pathogenic, but additional data are needed to prove that conclusively. Therefore, this variant has been classified as Likely Pathogenic.

Literature cited by the submitters: PubMed 25589632 (cited by Labcorp Genetics (formerly Invitae), Labcorp); PubMed 23975875 (cited by Labcorp Genetics (formerly Invitae), Labcorp); PubMed 27869827 (cited by Labcorp Genetics (formerly Invitae), Labcorp); PubMed 32964742 (cited by Labcorp Genetics (formerly Invitae), Labcorp).